The following is an entry in ClinVar:

ClinVar aggregate classification (germline): Uncertain significance. Review status: criteria provided, multiple submitters, no conflicts (2 of 4 stars). 3 submissions from 3 submitters: Uncertain significance (3). Last evaluated 2023-04-11.

Conditions:
Pyridoxine-dependent epilepsy (EPEO4). Also called: Pyridoxine-Dependent Epilepsy - ALDH7A1; EPILEPSY, EARLY-ONSET, 4, VITAMIN B6-DEPENDENT; PYRIDOXINE DEPENDENCY WITH SEIZURES; Pyridoxine-Dependent Seizures. Identifiers: Orphanet 3006, MedGen C1849508, MONDO:0009945, OMIM 266100. Disease mechanism: loss of function.
Inborn genetic diseases. Identifiers: MedGen C0950123, MeSH D030342.

Allele frequency attached by ClinVar (database versions not stated): TOPMed below 0.00001.

Submissions (3):

Genome-Nilou Lab
Classification: Uncertain significance for Pyridoxine-dependent epilepsy. Last evaluated: 2023-04-11. Review status: criteria provided, single submitter. Criteria: ACMG Guidelines, 2015. Collection method: clinical testing. Allele origin: germline. Affected: no.

Labcorp Genetics (formerly Invitae), Labcorp
Classification: Uncertain significance for Pyridoxine-dependent epilepsy. Last evaluated: 2020-01-31. Review status: criteria provided, single submitter. Criteria: Invitae Variant Classification Sherloc (09022015). Collection method: clinical testing. Allele origin: germline.
Comment: This variant has not been reported in the literature in individuals with ALDH7A1-related conditions. ClinVar contains an entry for this variant (Variation ID: 590103). In summary, the available evidence is currently insufficient to determine the role of this variant in disease. Therefore, it has been classified as a Variant of Uncertain Significance. Algorithms developed to predict the effect of missense changes on protein structure and function are either unavailable or do not agree on the potential impact of this missense change (SIFT: "Deleterious"; PolyPhen-2: "Possibly Damaging"; Align-GVGD: "Class C0"). This variant is not present in population databases (ExAC no frequency). This sequence change replaces alanine with valine at codon 208 of the ALDH7A1 protein (p.Ala208Val). The alanine residue is highly conserved and there is a small physicochemical difference between alanine and valine.

Ambry Genetics
Classification: Uncertain significance for Inborn genetic diseases. Last evaluated: 2017-02-06. Review status: criteria provided, single submitter. Criteria: Ambry Variant Classification Scheme 2023. Collection method: clinical testing. Allele origin: germline.
Comment: The p.A208V variant (also known as c.623C>T), located in coding exon 6 of the ALDH7A1 gene, results from a C to T substitution at nucleotide position 623. The alanine at codon 208 is replaced by valine, an amino acid with similar properties. This nucleotide position is highly conserved in available vertebrate species. This amino acid position is highly conserved in available vertebrate species. In addition, this alteration is predicted to be deleterious by in silico analysis. Since supporting evidence is limited at this time, the clinical significance of this alteration remains unclear.

NM_001182.5(ALDH7A1):c.623C>T (p.Ala208Val)

Gene: ALDH7A1 (aldehyde dehydrogenase 7 family member A1; minus strand). Cytogenetic location: 5q23.2.
Variant type: single nucleotide variant.
Coding change: c.623C>T on transcript NM_001182.5 (MANE Select); coding-DNA position 623, C replaced by T.
Protein change: p.Ala208Val; replaces alanine 208 with valine.
Molecular consequence: missense variant.
Genome position (GRCh38, 1-based): chr5:126,577,106, G>A on the plus strand (C>T on the coding strand, the complement: ALDH7A1 is on the minus strand). VCF-style: chr5-126577106-G-A. GRCh37 (hg19) VCF-style: chr5-125912798-G-A.
Other names: c.539C>T, p.Ala180Val (NM_001201377.2); c.623C>T, p.Ala208Val (NM_001202404.2); short protein forms A208V, A180V.
Identifiers: ClinVar variation 590103 (VCV000590103.52), dbSNP rs200433565, ClinGen allele CA126909656.